The following is an entry in ClinVar:

NM_012471.3(TRPC5):c.1634G>C (p.Arg545Thr)

Gene: TRPC5 (transient receptor potential cation channel subfamily C member 5; minus strand). Cytogenetic location: Xq23.
Variant type: single nucleotide variant.
Coding change: c.1634G>C on transcript NM_012471.3 (MANE Select); coding-DNA position 1634, G replaced by C.
Protein change: p.Arg545Thr; replaces arginine 545 with threonine.
Molecular consequence: missense variant.
Genome position (GRCh38, 1-based): chrX:111,847,180, C>G on the plus strand (G>C on the coding strand, the complement: TRPC5 is on the minus strand). VCF-style: chrX-111847180-C-G. GRCh37 (hg19) VCF-style: chrX-111090408-C-G.
Other names: short protein forms R545T.
Identifiers: ClinVar variation 3348794 (VCV003348794.1).

ClinVar aggregate classification (germline): Uncertain significance (0 of 4 stars; one submission).

Conditions:
TRPC5-related disorder. Also called: TRPC5-related condition.

Submission:

PreventionGenetics, part of Exact Sciences
Classification: Uncertain significance for TRPC5-related condition. Last evaluated: 2024-02-21. Review status: no assertion criteria provided. Collection method: clinical testing. Allele origin: germline.
Comment: The TRPC5 c.1634G>C variant is predicted to result in the amino acid substitution p.Arg545Thr. To our knowledge, this variant has not been reported in the literature or in a large population database, indicating this variant is rare. At this time, the clinical significance of this variant is uncertain due to the absence of conclusive functional and genetic evidence.